The following is an entry in ClinVar:

ClinVar aggregate classification (germline): Pathogenic (1 of 4 stars; one submission).

Conditions:
Birt-Hogg-Dube syndrome. Also called: Birt Hogg Dubé syndrome. Identifiers: Orphanet 122, MedGen C0346010, MONDO:0800444.

Submission:

Labcorp Genetics (formerly Invitae), Labcorp
Classification: Pathogenic for Birt-Hogg-Dube syndrome. Last evaluated: 2024-05-07. Review status: criteria provided, single submitter. Criteria: Invitae Variant Classification Sherloc (09022015). Collection method: clinical testing. Allele origin: germline.
Comment: This sequence change results in a frameshift in the FLCN gene (p.Ala541Cysfs*61). While this is not anticipated to result in nonsense mediated decay, it is expected to disrupt the last 39 amino acid(s) of the FLCN protein and extend the protein by 21 additional amino acid residues. This variant is not present in population databases (gnomAD no frequency). This variant has not been reported in the literature in individuals affected with FLCN-related conditions. ClinVar contains an entry for this variant (Variation ID: 1457715). RNA analysis performed to evaluate the impact of this frameshift on mRNA splicing indicates it does not significantly alter splicing (Invitae). This variant disrupts a region of the FLCN protein in which other variant(s) (p.Trp553*) have been determined to be pathogenic (PMID: 28558743; Invitae). This suggests that this is a clinically significant region of the protein, and that variants that disrupt it are likely to be disease-causing. For these reasons, this variant has been classified as Pathogenic.

Literature cited by the submitters: PubMed 28558743.

NM_144997.7(FLCN):c.1619dup (p.Ala541fs)

Gene: FLCN (folliculin; minus strand). Cytogenetic location: 17p11.2.
Variant type: Duplication.
Coding change: c.1619dup on transcript NM_144997.7 (MANE Select); coding-DNA position 1619, one base duplicated (G; older notation c.1619dupG).
Protein change: p.Ala541fs; shifts the reading frame from alanine 541.
Molecular consequence: frameshift variant.
Genome position (GRCh38, 1-based): chr17:17,213,776, C duplicated on the plus strand (G on the coding strand, the reverse complement: FLCN is on the minus strand); the first of 3 consecutive C bases (chr17:17,213,776-17,213,778); duplicating any one gives the same sequence. VCF-style (leftmost placement, unchanged base first): chr17-17213775-A-AC. GRCh37 (hg19) VCF-style: chr17-17117089-A-AC.
Other names: c.1673dup, p.Ala559fs (NM_001353229.2); c.1619dup, p.Ala541fs (NM_001353230.2, NM_001353231.2); short protein forms A559fs, A541fs.
Identifiers: ClinVar variation 1457715 (VCV001457715.6), dbSNP rs2144810189, ClinGen allele CA2573153077.